The following is an entry in ClinVar:

ClinVar aggregate classification (germline): Benign. Review status: criteria provided, single submitter (1 of 4 stars). 3 submissions from 1 submitter: Benign (3). Last evaluated 2018-01-13.

Conditions:
Myhre syndrome (MYHRS). Also called: LARYNGOTRACHEAL STENOSIS, ARTHROPATHY, PROGNATHISM, AND SHORT STATURE; LAPS SYNDROME. Identifiers: Orphanet 2588, MedGen C0796081, MONDO:0007688, OMIM 139210.
Juvenile polyposis/hereditary hemorrhagic telangiectasia syndrome (JPHT). Also called: JP/HHT SYNDROME; JUVENILE POLYPOSIS WITH HEREDITARY HEMORRHAGIC TELANGIECTASIA; POLYPOSIS, GENERALIZED JUVENILE, WITH PULMONARY ARTERIOVENOUS MALFORMATION; TELANGIECTASIA, HEREDITARY HEMORRHAGIC, WITH JUVENILE POLYPOSIS COLI; Juvenile Polyposis Syndrome / Hereditary Hemorrhagic Telangiectasia (JPS/HHT). Identifiers: Orphanet 2929, MedGen C1832942, MONDO:0008278, OMIM 175050.
Generalized juvenile polyposis/juvenile polyposis coli. Also called: Juvenile polyposis coli. Identifiers: Orphanet 329971, MedGen C1868081, MONDO:0008276.

Allele frequency attached by ClinVar (database versions not stated): gnomAD 0.07320 and 0.07867; 1000 Genomes Project 0.36961.
gnomAD v4.1: 5,751 of 94,488 alleles (6.1%); highest among the groups gnomAD compares: African/African-American, 20%; 340 homozygotes.

Submissions (3):

Illumina Laboratory Services, Illumina
Classification: Benign for Juvenile polyposis syndrome. Last evaluated: 2018-01-13. Review status: criteria provided, single submitter. Criteria: ICSL Variant Classification Criteria 13 December 2019. Collection method: clinical testing. Allele origin: germline.
Comment: This variant was observed in the ICSL laboratory as part of a predisposition screen in an ostensibly healthy population. It had not been previously curated by ICSL or reported in the Human Gene Mutation Database (HGMD: prior to June 1st, 2018), and was therefore a candidate for classification through an automated scoring system. Utilizing variant allele frequency, disease prevalence and penetrance estimates, and inheritance mode, an automated score was calculated to assess if this variant is too frequent to cause the disease. Based on the score and internal cut-off values, a variant classified as benign is not then subjected to further curation. The score for this variant resulted in a classification of benign for this disease.

Illumina Laboratory Services, Illumina
Classification: Benign for Juvenile polyposis/hereditary hemorrhagic telangiectasia syndrome. Last evaluated: 2018-01-13. Review status: criteria provided, single submitter. Criteria: ICSL Variant Classification Criteria 13 December 2019. Collection method: clinical testing. Allele origin: germline.
Comment: the same text as in the submission from Illumina Laboratory Services, Illumina above.

Illumina Laboratory Services, Illumina
Classification: Benign for Myhre syndrome. Last evaluated: 2018-01-13. Review status: criteria provided, single submitter. Criteria: ICSL Variant Classification Criteria 13 December 2019. Collection method: clinical testing. Allele origin: germline.
Comment: the same text as in the submission from Illumina Laboratory Services, Illumina above.

NM_005359.6(SMAD4):c.*5535A>G

Gene: SMAD4 (SMAD family member 4; plus strand). Cytogenetic location: 18q21.2.
Variant type: single nucleotide variant.
Coding change: c.*5535A>G on transcript NM_005359.6 (MANE Select); 5535 bases downstream of the stop codon, A replaced by G.
Molecular consequence: 3 prime UTR variant.
Genome position (GRCh38, 1-based): chr18:51,084,002, A>G. VCF-style: chr18-51084002-A-G. GRCh37 (hg19) VCF-style: chr18-48610372-A-G.
Identifiers: ClinVar variation 327187 (VCV000327187.5), dbSNP rs75712226, ClinGen allele CA10650996.